The following is an entry in ClinVar:

ClinVar aggregate classification (germline): Uncertain significance (1 of 4 stars; one submission).

Conditions:
Familial Mediterranean fever (FMF). Also called: Periodic peritonitis; Benign paroxysmal peritonitis; POLYSEROSITIS, FAMILIAL PAROXYSMAL; POLYSEROSITIS, RECURRENT. Identifiers: Orphanet 342, MedGen C0031069, MONDO:0018088, OMIM 249100. Disease mechanism: gain of function.

Allele frequency attached by ClinVar (database versions not stated): gnomAD 0.00011; TOPMed 0.00011; gnomAD exomes 0.00002; ExAC 0.00003.
gnomAD v4.1: 23 of 1,613,992 alleles (0.0014%); highest among the groups gnomAD compares: African/African-American, 0.028%; no homozygotes.

Submission:

Labcorp Genetics (formerly Invitae), Labcorp
Classification: Uncertain significance for Familial Mediterranean fever. Last evaluated: 2022-04-15. Review status: criteria provided, single submitter. Criteria: Invitae Variant Classification Sherloc (09022015). Collection method: clinical testing. Allele origin: germline.
Comment: This sequence change replaces threonine, which is neutral and polar, with isoleucine, which is neutral and non-polar, at codon 760 of the MEFV protein (p.Thr760Ile). This variant is present in population databases (rs759769839, gnomAD 0.04%). This variant has not been reported in the literature in individuals affected with MEFV-related conditions. Algorithms developed to predict the effect of missense changes on protein structure and function output the following: SIFT: "Tolerated"; PolyPhen-2: "Benign"; Align-GVGD: "Class C0". The isoleucine amino acid residue is found in multiple mammalian species, which suggests that this missense change does not adversely affect protein function. In summary, the available evidence is currently insufficient to determine the role of this variant in disease. Therefore, it has been classified as a Variant of Uncertain Significance.

NM_000243.3(MEFV):c.2279C>T (p.Thr760Ile)

Gene: MEFV (MEFV innate immunity regulator, pyrin; minus strand). Cytogenetic location: 16p13.3.
Variant type: single nucleotide variant.
Coding change: c.2279C>T on transcript NM_000243.3 (MANE Select); coding-DNA position 2279, C replaced by T.
Protein change: p.Thr760Ile; replaces threonine 760 with isoleucine.
Molecular consequence: missense variant. On other transcripts: 3 prime UTR variant (1).
Genome position (GRCh38, 1-based): chr16:3,243,208, G>A on the plus strand (C>T on the coding strand, the complement: MEFV is on the minus strand). VCF-style: chr16-3243208-G-A. GRCh37 (hg19) VCF-style: chr16-3293208-G-A.
Other names: c.*483C>T (NM_001198536.2); short protein forms T760I.
Identifiers: ClinVar variation 1446881 (VCV001446881.4), dbSNP rs759769839, ClinGen allele CA7859843.